The following is an entry in ClinVar:

ClinVar aggregate classification (germline): Benign (1 of 4 stars; one submission).

Conditions:
Familial hypoparathyroidism. Also called: Familial isolated hypoparathyroidism. Identifiers: Orphanet 2238, MedGen C1832648, MONDO:0016390.

Allele frequency attached by ClinVar (database versions not stated): ESP Exome Variant Server 0.00046; gnomAD exomes 0.00046 and 0.00113; gnomAD 0.00066 and 0.00071; TOPMed 0.00077; ExAC 0.00083.
gnomAD v4.1: 842 of 1,599,132 alleles (0.053%); highest among the groups gnomAD compares: Admixed American, 0.14%; 6 homozygotes.

Submission:

Illumina Laboratory Services, Illumina
Classification: Benign for Hypoparathyroidism, familial isolated 1. Last evaluated: 2018-01-13. Review status: criteria provided, single submitter. Criteria: ICSL Variant Classification Criteria 13 December 2019. Collection method: clinical testing. Allele origin: germline.
Comment: This variant was observed in the ICSL laboratory as part of a predisposition screen in an ostensibly healthy population. It had not been previously curated by ICSL or reported in the Human Gene Mutation Database (HGMD: prior to June 1st, 2018), and was therefore a candidate for classification through an automated scoring system. Utilizing variant allele frequency, disease prevalence and penetrance estimates, and inheritance mode, an automated score was calculated to assess if this variant is too frequent to cause the disease. Based on the score and internal cut-off values, a variant classified as benign is not then subjected to further curation. The score for this variant resulted in a classification of benign for this disease.

NM_000315.4(PTH):c.*51A>G

Gene: PTH (parathyroid hormone; minus strand). Cytogenetic location: 11p15.3.
Variant type: single nucleotide variant.
Coding change: c.*51A>G on transcript NM_000315.4 (MANE Select); 51 bases downstream of the stop codon, A replaced by G.
Molecular consequence: 3 prime UTR variant.
Genome position (GRCh38, 1-based): chr11:13,492,354, T>C on the plus strand (A>G on the coding strand, the complement: PTH is on the minus strand). VCF-style: chr11-13492354-T-C. GRCh37 (hg19) VCF-style: chr11-13513901-T-C.
Other names: c.*51A>G (NM_001316352.2).
Identifiers: ClinVar variation 303702 (VCV000303702.5), dbSNP rs369469373, ClinGen allele CA5893148.
Genomic context (GRCh38, chr11:13,492,354, plus strand): 5'-TTATATCAGAAATATTGGCACTTGGAAATCTTAATAGAGCTTTGAATTAGCAGCATGTAT[T>C]GTTGCCCTACACTGTCTAGAGCAGAACTCTGACAATATCTGTTTTCATTTTCACTGGGAT-3'